The following is an entry in ClinVar:

ClinVar aggregate classification (germline): Uncertain significance (1 of 4 stars; one submission).

Submission:

Labcorp Genetics (formerly Invitae), Labcorp
Classification: Uncertain significance. Last evaluated: 2024-09-27. Review status: criteria provided, single submitter. Criteria: Invitae Variant Classification Sherloc (09022015). Collection method: clinical testing. Allele origin: germline.
Comment: This sequence change replaces leucine, which is neutral and non-polar, with phenylalanine, which is neutral and non-polar, at codon 83 of the ASXL1 protein (p.Leu83Phe). This variant is not present in population databases (gnomAD no frequency). This variant has not been reported in the literature in individuals affected with ASXL1-related conditions. An algorithm developed to predict the effect of missense changes on protein structure and function (PolyPhen-2) suggests that this variant is likely to be disruptive. In summary, the available evidence is currently insufficient to determine the role of this variant in disease. Therefore, it has been classified as a Variant of Uncertain Significance.

NM_015338.6(ASXL1):c.247C>T (p.Leu83Phe)

Gene: ASXL1 (ASXL transcriptional regulator 1; plus strand). Cytogenetic location: 20q11.21.
Variant type: single nucleotide variant.
Coding change: c.247C>T on transcript NM_015338.6 (MANE Select); coding-DNA position 247, C replaced by T.
Protein change: p.Leu83Phe; replaces leucine 83 with phenylalanine.
Molecular consequence: missense variant.
Genome position (GRCh38, 1-based): chr20:32,369,118, C>T. VCF-style: chr20-32369118-C-T. GRCh37 (hg19) VCF-style: chr20-30956921-C-T.
Other names: c.247C>T, p.Leu83Phe (NM_001164603.1); c.217C>T, p.Leu73Phe (NM_001363734.1); short protein forms L83F, L73F.
Identifiers: ClinVar variation 3721624 (VCV003721624.2).